The following is an entry in ClinVar:

ClinVar aggregate classification (germline): Uncertain significance (1 of 4 stars; one submission).

Conditions:
Cataract 18 (CATC2). Also called: CATARACT 18, AUTOSOMAL RECESSIVE. Identifiers: Orphanet 91492, Orphanet 98991, Orphanet 98992, Orphanet 98995, MedGen C1864908, MONDO:0012395, OMIM 610019.

Allele frequency attached by ClinVar (database versions not stated): gnomAD exomes below 0.00001; ExAC 0.00001; gnomAD 0.00001.
gnomAD v4.1: 1 of 1,614,026 alleles (0.000062%); highest among the groups gnomAD compares: Non-Finnish European, 0.000085%; no homozygotes.

Submission:

Labcorp Genetics (formerly Invitae), Labcorp
Classification: Uncertain significance for Cataract 18. Last evaluated: 2019-07-05. Review status: criteria provided, single submitter. Criteria: Invitae Variant Classification Sherloc (09022015). Collection method: clinical testing. Allele origin: germline.
Comment: This variant has not been reported in the literature in individuals with FYCO1-related conditions. Algorithms developed to predict the effect of missense changes on protein structure and function output the following: SIFT: "Tolerated"; PolyPhen-2: "Benign"; Align-GVGD: "Class C0". The threonine amino acid residue is found in multiple mammalian species, suggesting that this missense change does not adversely affect protein function. These predictions have not been confirmed by published functional studies and their clinical significance is uncertain. In summary, the available evidence is currently insufficient to determine the role of this variant in disease. Therefore, it has been classified as a Variant of Uncertain Significance. This variant is present in population databases (rs752338309, ExAC 0.001%). This sequence change replaces alanine with threonine at codon 453 of the FYCO1 protein (p.Ala453Thr). The alanine residue is moderately conserved and there is a small physicochemical difference between alanine and threonine.

NM_024513.4(FYCO1):c.1357G>A (p.Ala453Thr)

Gene: FYCO1 (FYVE and coiled-coil domain autophagy adaptor 1; minus strand). Cytogenetic location: 3p21.31.
Variant type: single nucleotide variant.
Coding change: c.1357G>A on transcript NM_024513.4 (MANE Select); coding-DNA position 1357, G replaced by A.
Protein change: p.Ala453Thr; replaces alanine 453 with threonine.
Molecular consequence: missense variant.
Genome position (GRCh38, 1-based): chr3:45,967,977, C>T on the plus strand (G>A on the coding strand, the complement: FYCO1 is on the minus strand). VCF-style: chr3-45967977-C-T. GRCh37 (hg19) VCF-style: chr3-46009469-C-T.
Other names: short protein forms A453T.
Identifiers: ClinVar variation 960545 (VCV000960545.6), dbSNP rs752338309, ClinGen allele CA2353270.